The following is an entry in ClinVar:

ClinVar aggregate classification (germline): Uncertain significance. Review status: criteria provided, multiple submitters, no conflicts (2 of 4 stars). 3 submissions from 3 submitters: Uncertain significance (3). Last evaluated 2025-04-14.

Conditions:
Cholestanol storage disease (CTX). Also called: CEREBRAL CHOLESTERINOSIS; CTX: Cerebrotendinous xanthomatosis; Cerebrotendinous Xanthomatosis. Identifiers: Orphanet 909, MedGen C0238052, MONDO:0008948, OMIM 213700.
Cardiovascular phenotype. Identifiers: MedGen CN230736.

Allele frequency attached by ClinVar (database versions not stated): gnomAD exomes 0.00001; ExAC 0.00002.
gnomAD v4.1: 13 of 1,612,920 alleles (0.00081%); highest among the groups gnomAD compares: Admixed American, 0.005%; no homozygotes.

Submissions (3):

Ambry Genetics
Classification: Uncertain significance for Cardiovascular phenotype. Last evaluated: 2025-04-14. Review status: criteria provided, single submitter. Criteria: Ambry Variant Classification Scheme 2023. Collection method: clinical testing. Allele origin: germline.
Comment: The p.P146L variant (also known as c.437C>T), located in coding exon 2 of the CYP27A1 gene, results from a C to T substitution at nucleotide position 437. The proline at codon 146 is replaced by leucine, an amino acid with similar properties. This amino acid position is conserved. In addition, this alteration is predicted to be tolerated by in silico analysis. Based on the available evidence, the clinical significance of this variant remains unclear.

Labcorp Genetics (formerly Invitae), Labcorp
Classification: Uncertain significance for Cholestanol storage disease. Last evaluated: 2024-02-24. Review status: criteria provided, single submitter. Criteria: Invitae Variant Classification Sherloc (09022015). Collection method: clinical testing. Allele origin: germline.
Comment: This sequence change replaces proline, which is neutral and non-polar, with leucine, which is neutral and non-polar, at codon 146 of the CYP27A1 protein (p.Pro146Leu). This variant is present in population databases (rs747525746, gnomAD 0.006%). This variant has not been reported in the literature in individuals affected with CYP27A1-related conditions. ClinVar contains an entry for this variant (Variation ID: 1806276). Advanced modeling of protein sequence and biophysical properties (such as structural, functional, and spatial information, amino acid conservation, physicochemical variation, residue mobility, and thermodynamic stability) performed at Invitae indicates that this missense variant is not expected to disrupt CYP27A1 protein function with a negative predictive value of 95%. In summary, the available evidence is currently insufficient to determine the role of this variant in disease. Therefore, it has been classified as a Variant of Uncertain Significance.

Victorian Clinical Genetics Services, Murdoch Childrens Research Institute
Classification: Uncertain significance for Cholestanol storage disease. Last evaluated: 2020-05-25. Review status: criteria provided, single submitter. Criteria: ACMG Guidelines, 2015. Collection method: clinical testing. Allele origin: germline. Inheritance: Autosomal recessive inheritance. Affected: yes.
Comment: Based on the classification scheme VCGS_Germline_v1.1.1, this variant is classified as 3C-VUS. Following criteria are met: 0102 - Loss-of-function is a known mechanism of disease for this gene. (N) 0106 - This gene is known to be associated with autosomal recessive disease. (N) 0200 - Variant is predicted to result in a missense amino acid change from proline to leucine (exon 2). (N) 0251 - Variant is heterozygous. (N) 0304 - Variant is present in gnomAD <0.01 for a recessive condition (3 heterozygotes, 0 homozygotes). (P) 0502 - Missense variant with conflicting in-silico predictions and/or uninformative conservation. (N) 0504 - Same amino acid change has been observed in mammals. (B) 0600 - Variant is located in an annotated domain or motif (cytochrome P450 domain; NCBI, PDB). (N) 0705 - No comparable variants have previous evidence for pathogenicity. (N) 0807 - Variant has not previously been reported in a clinical context. (N) 0905 - No segregation evidence has been identified for this variant. (N) 1007 - No published functional evidence has been identified for this variant. (N) 1208 - Inheritance information for this variant is not currently available. (N) Legend: (P) - Pathogenic, (N) - Neutral, (B) - Benign

NM_000784.4(CYP27A1):c.437C>T (p.Pro146Leu)

Gene: CYP27A1 (cytochrome P450 family 27 subfamily A member 1; plus strand). Cytogenetic location: 2q35.
Variant type: single nucleotide variant.
Coding change: c.437C>T on transcript NM_000784.4 (MANE Select); coding-DNA position 437, C replaced by T.
Protein change: p.Pro146Leu; replaces proline 146 with leucine.
Molecular consequence: missense variant.
Genome position (GRCh38, 1-based): chr2:218,809,758, C>T. VCF-style: chr2-218809758-C-T. GRCh37 (hg19) VCF-style: chr2-219674481-C-T.
Other names: short protein forms P146L.
Identifiers: ClinVar variation 1806276 (VCV001806276.6), dbSNP rs747525746, ClinGen allele CA2112592.
Genomic context (GRCh38, chr2:218,809,758, plus strand): 5'-TACGGAACGACATGGAGCTATGGAAGGAGCACCGGGACCAGCACGACCTGACCTATGGGC[C>T]GTTCACCACGTGAGCTGGGGCCTGAAGGGACTGGAACAGGGCCCCAGAGGGCCAGGGCGA-3'
Protein context (NP_000775.1, residues 136-156): HRDQHDLTYG[Pro146Leu]FTTEGHHWYQ